The following is an entry in ClinVar:

ClinVar aggregate classification (germline): Likely benign (1 of 4 stars; one submission).

gnomAD v4.1: 521 of 1,613,602 alleles (0.032%); highest among the groups gnomAD compares: Admixed American, 0.86%; 7 homozygotes.

Submission:

CeGaT Center for Human Genetics Tuebingen
Classification: Likely benign. Last evaluated: 2026-08-01. Review status: criteria provided, single submitter. Criteria: CeGaT Center For Human Genetics Tuebingen Variant Classification Criteria Version 2. Collection method: clinical testing. Allele origin: germline. Affected: yes. Observed: 1 variant allele.
Comment: RSPO2: BP4, BP7

NM_178565.5(RSPO2):c.633G>A (p.Lys211=)

Gene: RSPO2 (R-spondin 2; minus strand). Cytogenetic location: 8q23.1.
Variant type: single nucleotide variant.
Coding change: c.633G>A on transcript NM_178565.5 (MANE Select); coding-DNA position 633, G replaced by A.
Protein change: p.Lys211=; no amino-acid change (lysine 211 retained).
Molecular consequence: synonymous variant.
Genome position (GRCh38, 1-based): chr8:107,901,174, C>T on the plus strand (G>A on the coding strand, the complement: RSPO2 is on the minus strand). VCF-style: chr8-107901174-C-T. GRCh37 (hg19) VCF-style: chr8-108913402-C-T.
Other names: c.441G>A, p.Lys147= (NM_001282863.2); c.432G>A, p.Lys144= (NM_001317942.2).
Identifiers: ClinVar variation 5039691 (VCV005039691.1).